The following is an entry in ClinVar:

NM_201384.3(PLEC):c.6668G>A (p.Arg2223His)

Gene: PLEC (plectin; minus strand). Cytogenetic location: 8q24.3.
Variant type: single nucleotide variant.
Coding change: c.6668G>A on transcript NM_201384.3 (MANE Select); coding-DNA position 6668, G replaced by A.
Protein change: p.Arg2223His; replaces arginine 2223 with histidine.
Molecular consequence: missense variant.
Genome position (GRCh38, 1-based): chr8:143,923,261, C>T on the plus strand (G>A on the coding strand, the complement: PLEC is on the minus strand). VCF-style: chr8-143923261-C-T. GRCh37 (hg19) VCF-style: chr8-144997429-C-T.
Other names: c.6749G>A, p.Arg2250His (NM_000445.5); c.6626G>A, p.Arg2209His (NM_201378.4); c.6602G>A, p.Arg2201His (NM_201379.3); c.7079G>A, p.Arg2360His (NM_201380.4); c.6572G>A, p.Arg2191His (NM_201381.3); c.6668G>A, p.Arg2223His (NM_201382.4); c.6680G>A, p.Arg2227His (NM_201383.3); c.6749G>A (NM_000445.3); short protein forms R2191H, R2209H, R2223H, R2201H, R2227H, R2250H, R2360H.
Identifiers: ClinVar variation 291067 (VCV000291067.24), dbSNP rs565225660, ClinGen allele CA4925905.
Genomic context (GRCh38, chr8:143,923,261, plus strand): 5'-AGCTTGCTCAGCTCCTCCATCTGCACGCGCACCGAGAAGAGCTCCTCCTCCACCTGGCTG[C>T]GCTGGCGTGCGGCCTCCGTGGCCTCCGCCTTCAGCCGCTGCAGCTCCTCGTCCAGCAGGT-3'
Protein context (NP_958786.1, residues 2213-2233): KAEATEAARQ[Arg2223His]SQVEEELFSV

ClinVar aggregate classification (germline): Uncertain significance. Review status: criteria provided, multiple submitters, no conflicts (2 of 4 stars). 7 submissions from 7 submitters: Uncertain significance (7). Last evaluated 2026-02-25.

Conditions:
Autosomal recessive limb-girdle muscular dystrophy type 2Q (LGMDR17). Also called: MUSCULAR DYSTROPHY, LIMB-GIRDLE, AUTOSOMAL RECESSIVE 17. Identifiers: Orphanet 254361, MedGen C3150989, MONDO:0013390, OMIM 613723.
Epidermolysis bullosa simplex with nail dystrophy (EBS5D). Identifiers: MedGen C4225309, MONDO:0014661, OMIM 616487.
Epidermolysis bullosa simplex 5C, with pyloric atresia (EBS5C). Also called: PLEC-Related Epidermolysis Bullosa with Pyloric Atresia; PLEC1-Related Epidermolysis Bullosa with Pyloric Atresia; Epidermolysis bullosa simplex with pyloric atresia. Identifiers: Orphanet 158684, MedGen C2677349, MONDO:0012807, OMIM 612138.
Epidermolysis bullosa simplex, Ogna type (EBS5A). Also called: Pidermolysis bullosa simplex 5A, Ogna type; EPIDERMOLYSIS BULLOSA SIMPLEX 5A, OGNA TYPE. Identifiers: Orphanet 79401, MedGen C0432317, MONDO:0007555, OMIM 131950.
Epidermolysis bullosa simplex 5B, with muscular dystrophy (EBS5B). Also called: Epidermolysis bullosa simplex with muscular dystrophy; EPIDERMOLYSIS BULLOSA SIMPLEX AND LIMB-GIRDLE MUSCULAR DYSTROPHY. Identifiers: Orphanet 257, MedGen C2931072, MONDO:0009181, OMIM 226670.
Inborn genetic diseases. Identifiers: MedGen C0950123, MeSH D030342.

Allele frequency attached by ClinVar (database versions not stated): ExAC 0.00005; gnomAD 0.00005; gnomAD exomes 0.00006; TOPMed 0.00007; 1000 Genomes Project 30x 0.00016; 1000 Genomes Project 0.00020.
gnomAD v4.1: 38 of 1,606,066 alleles (0.0024%); highest among the groups gnomAD compares: African/African-American, 0.011%; no homozygotes.

Submissions (7):

Women's Health and Genetics/Laboratory Corporation of America, LabCorp
Classification: Uncertain significance. Last evaluated: 2026-02-25. Review status: criteria provided, single submitter. Criteria: LabCorp Variant Classification Summary - May 2015. Collection method: clinical testing. Allele origin: germline.
Comment: Variant summary: PLEC c.6749G>A (p.Arg2250His) results in a non-conservative amino acid change in the encoded protein sequence. Algorithms developed to predict the effect of missense changes on protein structure and function are either unavailable or do not agree on the potential impact of this missense change. The variant allele was found at a frequency of 5.8e-05 in 241038 control chromosomes. This frequency is not significantly higher than estimated for disease-causing variants in PLEC, allowing no conclusion about variant significance. To our knowledge, no occurrence of c.6749G>A in individuals affected with PLEC-related conditions and no experimental evidence demonstrating its impact on protein function have been reported. ClinVar contains an entry for this variant (Variation ID: 291067). Based on the evidence outlined above, the variant was classified as uncertain significance.

Labcorp Genetics (formerly Invitae), Labcorp
Classification: Uncertain significance for Autosomal recessive limb-girdle muscular dystrophy type 2Q; Epidermolysis bullosa simplex, Ogna type; Epidermolysis bullosa simplex with nail dystrophy; Epidermolysis bullosa simplex 5C, with pyloric atresia; Epidermolysis bullosa simplex 5B, with muscular dystrophy. Last evaluated: 2026-01-26. Review status: criteria provided, single submitter. Criteria: Invitae Variant Classification Sherloc (09022015). Collection method: clinical testing. Allele origin: germline.
Comment: This sequence change replaces arginine, which is basic and polar, with histidine, which is basic and polar, at codon 2250 of the PLEC protein (p.Arg2250His). This variant is present in population databases (rs565225660, gnomAD 0.01%). This variant has not been reported in the literature in individuals affected with PLEC-related conditions. ClinVar contains an entry for this variant (Variation ID: 291067). An algorithm developed to predict the effect of missense changes on protein structure and function (PolyPhen-2) suggests that this variant is likely to be disruptive. In summary, the available evidence is currently insufficient to determine the role of this variant in disease. Therefore, it has been classified as a Variant of Uncertain Significance.

CeGaT Center for Human Genetics Tuebingen
Classification: Uncertain significance. Last evaluated: 2025-03-01. Review status: criteria provided, single submitter. Criteria: CeGaT Center For Human Genetics Tuebingen Variant Classification Criteria Version 2. Collection method: clinical testing. Allele origin: germline. Affected: yes. Observed: 1 variant allele.
Comment: PLEC: PM2, BP4

Blueprint Genetics
Classification: Uncertain significance. Last evaluated: 2023-12-14. Review status: criteria provided, single submitter. Criteria: ACMG Guidelines, 2015. Collection method: clinical testing. Allele origin: germline.

Ambry Genetics
Classification: Uncertain significance for Inborn genetic diseases. Last evaluated: 2023-12-13. Review status: criteria provided, single submitter. Criteria: Ambry Variant Classification Scheme 2023. Collection method: clinical testing. Allele origin: germline.

Revvity Omics, Revvity
Classification: Uncertain significance. Last evaluated: 2021-07-03. Review status: criteria provided, single submitter. Criteria: ACMG Guidelines, 2015. Collection method: clinical testing. Allele origin: germline.

Eurofins Ntd Llc (ga)
Classification: Uncertain significance. Last evaluated: 2017-09-20. Review status: criteria provided, single submitter. Criteria: EGL Classification Definitions 2015. Collection method: clinical testing. Allele origin: germline. Observed: 3 variant alleles, 3 heterozygotes.